The following is an entry in ClinVar:

NM_182758.4(WDR72):c.3149-17731C>T

Gene: WDR72 (WD repeat domain 72; minus strand). Cytogenetic location: 15q21.3.
Variant type: single nucleotide variant.
Coding change: c.3149-17731C>T on transcript NM_182758.4 (MANE Select); 17731 bases into the intron before coding-DNA position 3149, C replaced by T.
Molecular consequence: intron variant. On other transcripts: synonymous variant (1), non-coding transcript variant (1).
Genome position (GRCh38, 1-based): chr15:53,541,053, G>A on the plus strand (C>T on the coding strand, the complement: WDR72 is on the minus strand). VCF-style: chr15-53541053-G-A. GRCh37 (hg19) VCF-style: chr15-53833250-G-A.
Other names: c.28C>T (NM_001277176.1); c.28C>T, p.Leu10= (NM_001277176.2).
Identifiers: ClinVar variation 4925162 (VCV004925162.2).

ClinVar aggregate classification (germline): Likely benign. Review status: criteria provided, multiple submitters, no conflicts (2 of 4 stars). 2 submissions from 2 submitters: Likely benign (2). Last evaluated 2024-11-25.

Conditions:
WDR72-related disorder. Also called: WDR72-related condition.

gnomAD v4.1: 120 of 159,310 alleles (0.075%); highest among the groups gnomAD compares: Middle Eastern, 0.3%; no homozygotes.

Submissions (2):

PreventionGenetics, part of Exact Sciences
Classification: Likely benign for WDR72-related condition. Last evaluated: 2024-11-25. Review status: criteria provided, single submitter. Criteria: ACMG Guidelines, 2015. Collection method: clinical testing. Allele origin: germline.
Comment: This variant is classified as likely benign based on ACMG/AMP sequence variant interpretation guidelines (Richards et al. 2015 PMID: 25741868, with internal and published modifications).

Blueprint Genetics
Classification: Likely benign. Last evaluated: 2024-10-29. Review status: criteria provided, single submitter. Criteria: ACMG Guidelines, 2015. Collection method: clinical testing. Allele origin: germline.